The following is an entry in ClinVar:

NM_000127.3(EXT1):c.1296del (p.Asp432fs)

Gene: EXT1 (exostosin glycosyltransferase 1; minus strand). Cytogenetic location: 8q24.11.
Variant type: Deletion.
Coding change: c.1296del on transcript NM_000127.3 (MANE Select); coding-DNA position 1296, one base deleted (C; older notation c.1296delC).
Protein change: p.Asp432fs; shifts the reading frame from aspartic acid 432.
Molecular consequence: frameshift variant.
Genome position (GRCh38, 1-based): chr8:117,822,586, G deleted on the plus strand (C on the coding strand, the reverse complement: EXT1 is on the minus strand). VCF-style (leftmost placement, unchanged base first): chr8-117822585-TG-T. GRCh37 (hg19) VCF-style: chr8-118834824-TG-T.
Other names: short protein forms D432fs.
Identifiers: ClinVar variation 3001504 (VCV003001504.3), dbSNP rs2488113917, ClinGen allele CA2740095136.

ClinVar aggregate classification (germline): Pathogenic (1 of 4 stars; one submission).

Conditions:
Multiple congenital exostosis (EXT). Also called: Hereditary multiple exostoses; Hereditary multiple exostosis; Multiple osteochondromas; Multiple exostoses; MULTIPLE CARTILAGINOUS EXOSTOSES; Hereditary multiple osteochondromas. Identifiers: Orphanet 321, MedGen C0015306, MONDO:0005508, HP:0002762.

Submission:

Labcorp Genetics (formerly Invitae), Labcorp
Classification: Pathogenic for Multiple congenital exostosis. Last evaluated: 2023-01-15. Review status: criteria provided, single submitter. Criteria: Invitae Variant Classification Sherloc (09022015). Collection method: clinical testing. Allele origin: germline.
Comment: For these reasons, this variant has been classified as Pathogenic. This variant has not been reported in the literature in individuals affected with EXT1-related conditions. This variant is not present in population databases (gnomAD no frequency). This sequence change creates a premature translational stop signal (p.Asp432Glufs*12) in the EXT1 gene. It is expected to result in an absent or disrupted protein product. Loss-of-function variants in EXT1 are known to be pathogenic (PMID: 10679937, 11391482, 19810120).

Literature cited by the submitters: PubMed 10679937; PubMed 11391482; PubMed 19810120.